The following is an entry in ClinVar:

NM_020223.4(FAM20C):c.908C>T (p.Ser303Phe)

Gene: FAM20C (FAM20C golgi associated secretory pathway kinase; plus strand). Cytogenetic location: 7p22.3.
Variant type: single nucleotide variant.
Coding change: c.908C>T on transcript NM_020223.4 (MANE Select); coding-DNA position 908, C replaced by T.
Protein change: p.Ser303Phe; replaces serine 303 with phenylalanine.
Molecular consequence: missense variant.
Genome position (GRCh38, 1-based): chr7:246,459, C>T. VCF-style: chr7-246459-C-T. GRCh37 (hg19) VCF-style: chr7-286425-C-T.
Other names: short protein forms S303F.
Identifiers: ClinVar variation 5019300 (VCV005019300.2).
Genomic context (GRCh38, chr7:246,459, plus strand): 5'-TGTCTTGTTTTCTCAGACAAACGAGGGAGCAGGAGACACCCCCTGACTTTTTTTATTTCT[C>T]TGACTACGAGAGGCACAATGCGGAGATTGCTGCCTTCCACCTGGACAGGTGAGCCCTTCC-3'
Protein context (NP_064608.2, residues 293-313): QETPPDFFYF[Ser303Phe]DYERHNAEIA

ClinVar aggregate classification (germline): Uncertain significance (1 of 4 stars; one submission).

Conditions:
Lethal osteosclerotic bone dysplasia (RNS). Also called: Osteomalacia, sclerosing, with cerebral calcification. Identifiers: Orphanet 1832, MedGen C1850106, MONDO:0009821, OMIM 259775.

Submission:

Juno Genomics, Hangzhou Juno Genomics, Inc
Classification: Uncertain significance for Lethal osteosclerotic bone dysplasia. Review status: criteria provided, single submitter. Criteria: ACMG Guidelines, 2015. Collection method: clinical testing. Allele origin: germline.
Comment: Absent from controls (or at extremely low frequency if recessive) in Genome Aggregation Database.;Multiple lines of computational evidence support a deleterious effect on the gene or gene product.